The following is an entry in ClinVar:

NM_000155.4(GALT):c.971C>T (p.Pro324Leu)

Gene: GALT (galactose-1-phosphate uridylyltransferase; plus strand). Cytogenetic location: 9p13.3.
Variant type: single nucleotide variant.
Coding change: c.971C>T on transcript NM_000155.4 (MANE Select); coding-DNA position 971, C replaced by T.
Protein change: p.Pro324Leu; replaces proline 324 with leucine.
Molecular consequence: missense variant.
Genome position (GRCh38, 1-based): chr9:34,649,476, C>T. VCF-style: chr9-34649476-C-T. GRCh37 (hg19) VCF-style: chr9-34649473-C-T.
Other names: c.644C>T, p.Pro215Leu (NM_001258332.2); short protein forms P215L, P324L.
Identifiers: ClinVar variation 2840309 (VCV002840309.3), dbSNP rs2492875907, ClinGen allele CA373284960.

ClinVar aggregate classification (germline): Likely pathogenic (1 of 4 stars; one submission).

Conditions:
Deficiency of UDPglucose-hexose-1-phosphate uridylyltransferase. Also called: GALT deficiency; Galactosemia, classic; GALACTOSE-1-PHOSPHATE URIDYLYLTRANSFERASE DEFICIENCY; Transferase Deficiency Galactosemia; GALACTOSEMIA I. Identifiers: Orphanet 352, Orphanet 79239, MedGen C0268151, MONDO:0009258, OMIM 230400.

Submission:

Labcorp Genetics (formerly Invitae), Labcorp
Classification: Likely pathogenic for Deficiency of UDPglucose-hexose-1-phosphate uridylyltransferase. Last evaluated: 2023-05-23. Review status: criteria provided, single submitter. Criteria: Invitae Variant Classification Sherloc (09022015). Collection method: clinical testing. Allele origin: germline.
Comment: This sequence change replaces proline, which is neutral and non-polar, with leucine, which is neutral and non-polar, at codon 324 of the GALT protein (p.Pro324Leu). This variant is not present in population databases (gnomAD no frequency). In summary, the currently available evidence indicates that the variant is pathogenic, but additional data are needed to prove that conclusively. Therefore, this variant has been classified as Likely Pathogenic. Advanced modeling of protein sequence and biophysical properties (such as structural, functional, and spatial information, amino acid conservation, physicochemical variation, residue mobility, and thermodynamic stability) performed at Invitae indicates that this missense variant is expected to disrupt GALT protein function. This missense change has been observed in individual(s) with galactosemia (Invitae). In at least one individual the data is consistent with being in trans (on the opposite chromosome) from a pathogenic variant.